The following is an entry in ClinVar:

ClinVar aggregate classification (germline): Uncertain significance (1 of 4 stars; one submission).

Conditions:
Hereditary cancer-predisposing syndrome. Also called: Neoplastic Syndromes, Hereditary; Tumor predisposition; Hereditary neoplastic syndrome; Hereditary Cancer Syndrome. Identifiers: Orphanet 140162, MedGen C0027672, MeSH D009386, MONDO:0015356.

Submission:

Ambry Genetics
Classification: Uncertain significance for Hereditary cancer-predisposing syndrome. Last evaluated: 2024-04-06. Review status: criteria provided, single submitter. Criteria: Ambry Variant Classification Scheme 2023. Collection method: clinical testing. Allele origin: germline.
Comment: The p.T307P variant (also known as c.919A>C), located in coding exon 6 of the PTCH1 gene, results from an A to C substitution at nucleotide position 919. The threonine at codon 307 is replaced by proline, an amino acid with highly similar properties. This amino acid position is conserved. In addition, this alteration is predicted to be deleterious by in silico analysis. Based on the available evidence, the clinical significance of this variant remains unclear.

NM_000264.5(PTCH1):c.919A>C (p.Thr307Pro)

Gene: PTCH1 (patched 1; minus strand). Cytogenetic location: 9q22.32.
Variant type: single nucleotide variant.
Coding change: c.919A>C on transcript NM_000264.5 (MANE Select); coding-DNA position 919, A replaced by C.
Protein change: p.Thr307Pro; replaces threonine 307 with proline.
Molecular consequence: missense variant. On other transcripts: non-coding transcript variant (1).
Genome position (GRCh38, 1-based): chr9:95,480,416, T>G on the plus strand (A>C on the coding strand, the complement: PTCH1 is on the minus strand). VCF-style: chr9-95480416-T-G. GRCh37 (hg19) VCF-style: chr9-98242698-T-G.
Other names: c.721A>C, p.Thr241Pro (NM_001083602.3); c.916A>C, p.Thr306Pro (NM_001083603.3); c.466A>C, p.Thr156Pro (NM_001083604.3, NM_001083605.3, NM_001083606.3 and 1 more transcripts); c.919A>C, p.Thr307Pro (NM_001354918.2); short protein forms T156P, T241P, T307P, T306P.
Identifiers: ClinVar variation 3311152 (VCV003311152.1).